The following is an entry in ClinVar:

ClinVar aggregate classification (germline): Uncertain significance (1 of 4 stars; one submission).

Allele frequency attached by ClinVar (database versions not stated): gnomAD exomes 0.00001 and 0.00002; ExAC 0.00002; gnomAD 0.00009 and 0.00010; 1000 Genomes Project 30x 0.00016; 1000 Genomes Project 0.00020; TOPMed 0.00026.
gnomAD v4.1: 35 of 1,614,056 alleles (0.0022%); highest among the groups gnomAD compares: Admixed American, 0.038%; no homozygotes.

Submission:

Labcorp Genetics (formerly Invitae), Labcorp
Classification: Uncertain significance for Combined immunodeficiency due to DOCK8 deficiency. Last evaluated: 2024-08-15. Review status: criteria provided, single submitter. Criteria: Invitae Variant Classification Sherloc (09022015). Collection method: clinical testing. Allele origin: germline.
Comment: This sequence change replaces serine, which is neutral and polar, with proline, which is neutral and non-polar, at codon 605 of the DOCK8 protein (p.Ser605Pro). This variant is present in population databases (rs563498378, gnomAD 0.009%). This variant has not been reported in the literature in individuals affected with DOCK8-related conditions. ClinVar contains an entry for this variant (Variation ID: 1008565). Invitae Evidence Modeling of protein sequence and biophysical properties (such as structural, functional, and spatial information, amino acid conservation, physicochemical variation, residue mobility, and thermodynamic stability) indicates that this missense variant is expected to disrupt DOCK8 protein function with a positive predictive value of 80%. In summary, the available evidence is currently insufficient to determine the role of this variant in disease. Therefore, it has been classified as a Variant of Uncertain Significance.

NM_203447.4(DOCK8):c.1813T>C (p.Ser605Pro)

Gene: DOCK8 (dedicator of cytokinesis 8; plus strand). Cytogenetic location: 9p24.3.
Variant type: single nucleotide variant.
Coding change: c.1813T>C on transcript NM_203447.4 (MANE Select); coding-DNA position 1813, T replaced by C.
Protein change: p.Ser605Pro; replaces serine 605 with proline.
Molecular consequence: missense variant.
Genome position (GRCh38, 1-based): chr9:370,245, T>C. VCF-style: chr9-370245-T-C. GRCh37 (hg19) VCF-style: chr9-370245-T-C.
Other names: c.1609T>C, p.Ser537Pro (NM_001190458.2, NM_001193536.2); short protein forms S537P, S605P.
Identifiers: ClinVar variation 1008565 (VCV001008565.5), dbSNP rs563498378, ClinGen allele CA4957952.